The following is an entry in ClinVar:

ClinVar aggregate classification (germline): Conflicting classifications of pathogenicity. Review status: criteria provided, conflicting classifications (1 of 4 stars). 3 submissions from 3 submitters: Uncertain significance (1); Likely benign (2). Last evaluated 2025-11-07.

Conditions:
Cardiovascular phenotype. Identifiers: MedGen CN230736.
Familial isolated arrhythmogenic right ventricular dysplasia. Identifiers: Orphanet 217656, MedGen C4274968, MONDO:0016342.
Arrhythmogenic right ventricular dysplasia 11. Also called: Arrhythmogenic Right Ventricular Dysplasia/Cardiomyopathy11; ARRHYTHMOGENIC RIGHT VENTRICULAR DYSPLASIA, FAMILIAL, 11; Arrhythmogenic right ventricular dysplasia 11 with mild palmoplantar keratoderma and woolly hair. Identifiers: MedGen C1864850, MONDO:0012506, OMIM 610476.

Allele frequency attached by ClinVar (database versions not stated): ExAC 0.00001; gnomAD 0.00001; gnomAD exomes below 0.00001.
gnomAD v4.1: 4 of 1,613,824 alleles (0.00025%); highest among the groups gnomAD compares: Non-Finnish European, 0.00025%; no homozygotes.

Submissions (3):

Ambry Genetics
Classification: Likely benign for Cardiovascular phenotype. Last evaluated: 2025-11-07. Review status: criteria provided, single submitter. Criteria: Ambry Variant Classification Scheme 2023. Collection method: clinical testing. Allele origin: germline.

Labcorp Genetics (formerly Invitae), Labcorp
Classification: Likely benign for Arrhythmogenic right ventricular dysplasia 11. Last evaluated: 2024-05-05. Review status: criteria provided, single submitter. Criteria: Invitae Variant Classification Sherloc (09022015). Collection method: clinical testing. Allele origin: germline.

All of Us Research Program, National Institutes of Health
Classification: Uncertain significance for Familial isolated arrhythmogenic right ventricular dysplasia. Last evaluated: 2023-10-23. Review status: criteria provided, single submitter. Criteria: ACMG Guidelines, 2015. Collection method: clinical testing. Allele origin: germline. Inheritance: Autosomal dominant inheritance. Observed: 2 variant alleles, 2 heterozygotes.
Comment: This variant is located in the DSC2 protein. To our knowledge, functional studies have not been reported for this variant. This variant has not been reported in individuals affected with DSC2-related disorders in the literature. This variant has been identified in 2/282036 chromosomes in the general population by the Genome Aggregation Database (gnomAD). The available evidence is insufficient to determine the role of this variant in disease conclusively. Therefore, this variant is classified as a Variant of Uncertain Significance.

This study involves interpretation of variants in research participants for the purpose of population health screening. Participant phenotype was not available at the time of variant classification. Additional details can be found in publication PMID: 35346344, PMCID: PMC8962531

NM_024422.6(DSC2):c.1926A>G (p.Pro642=)

Gene: DSC2 (desmocollin 2; minus strand). Cytogenetic location: 18q12.1.
Variant type: single nucleotide variant.
Coding change: c.1926A>G on transcript NM_024422.6 (MANE Select); coding-DNA position 1926, A replaced by G.
Protein change: p.Pro642=; no amino-acid change (proline 642 retained).
Molecular consequence: synonymous variant.
Genome position (GRCh38, 1-based): chr18:31,071,804, T>C on the plus strand (A>G on the coding strand, the complement: DSC2 is on the minus strand). VCF-style: chr18-31071804-T-C. GRCh37 (hg19) VCF-style: chr18-28651770-T-C.
Other names: c.1926A>G (NM_024422.3); c.1926A>G, p.Pro642= (NM_004949.5).
Identifiers: ClinVar variation 1108693 (VCV001108693.11), dbSNP rs776278152, ClinGen allele CA033954.